The following is an entry in ClinVar:

NM_001370259.2(MEN1):c.1166_1168dup (p.Arg389_Pro390insArg)

Gene: MEN1 (menin 1; minus strand). Cytogenetic location: 11q13.1.
Variant type: Duplication.
Coding change: c.1166_1168dup on transcript NM_001370259.2 (MANE Select); coding-DNA positions 1166 to 1168, 3 bases duplicated (GGC; older notation c.1166_1168dupGGC).
Protein change: p.Arg389_Pro390insArg.
Molecular consequence: non-coding transcript variant (on NR_176284.1).
Genome position (GRCh38, 1-based): chr11:64,805,652-64,805,654, GCC duplicated on the plus strand (GGC on the coding strand, the reverse complement: MEN1 is on the minus strand); duplicating any 3 consecutive bases within chr11:64,805,652-64,805,656 gives the same sequence; the c. name uses the placement nearest the transcript's 3' end. VCF-style (leftmost placement, unchanged base first): chr11-64805651-G-GGCC. GRCh37 (hg19) VCF-style: chr11-64573123-G-GGCC.
Other names: c.1181_1183dup, p.Arg394_Pro395insArg (NM_000244.4, NM_001407145.1, NM_130800.3 and 4 more transcripts); c.1292_1294dup, p.Arg431_Pro432insArg (NM_001370251.2, NM_001407142.1, NM_001407143.1 and 1 more transcripts); c.1166_1168dup, p.Arg389_Pro390insArg (NM_001370260.2, NM_001370261.2, NM_001407146.1 and 3 more transcripts); c.1061_1063dup, p.Arg354_Pro355insArg (NM_001370262.2, NM_001370263.2, NM_001407148.1 and 1 more transcripts); c.1307_1309dup, p.Arg436_Pro437insArg (NM_001407150.1); c.1187_1189dup, p.Arg396_Pro397insArg (NM_001407151.1).
Identifiers: ClinVar variation 3687906 (VCV003687906.2).

ClinVar aggregate classification (germline): Uncertain significance (1 of 4 stars; one submission).

Conditions:
Multiple endocrine neoplasia, type 1 (MEN1). Also called: MEN I; WERMER SYNDROME; Endocrine adenomatosis multiple; MEN 1; MEA I. Identifiers: Orphanet 652, MedGen C0025267, MeSH D018761, MONDO:0007540, OMIM 131100.

Submission:

Labcorp Genetics (formerly Invitae), Labcorp
Classification: Uncertain significance for Multiple endocrine neoplasia, type 1. Last evaluated: 2024-03-15. Review status: criteria provided, single submitter. Criteria: Invitae Variant Classification Sherloc (09022015). Collection method: clinical testing. Allele origin: germline.
Comment: This variant, c.1166_1168dup, results in the insertion of 1 amino acid(s) of the MEN1 protein (p.Arg389dup), but otherwise preserves the integrity of the reading frame. This variant is not present in population databases (gnomAD no frequency). This variant has not been reported in the literature in individuals affected with MEN1-related conditions. In summary, the available evidence is currently insufficient to determine the role of this variant in disease. Therefore, it has been classified as a Variant of Uncertain Significance.